The following is an entry in ClinVar:

NM_000218.3(KCNQ1):c.957G>T (p.Val319=)

Gene: KCNQ1 (potassium voltage-gated channel subfamily Q member 1; plus strand). Cytogenetic location: 11p15.5.
Variant type: single nucleotide variant.
Coding change: c.957G>T on transcript NM_000218.3 (MANE Select); coding-DNA position 957, G replaced by T.
Protein change: p.Val319=; no amino-acid change (valine 319 retained).
Molecular consequence: synonymous variant.
Genome position (GRCh38, 1-based): chr11:2,583,470, G>T. VCF-style: chr11-2583470-G-T. GRCh37 (hg19) VCF-style: chr11-2604700-G-T.
Other names: c.957G>T, p.Val319= (NM_001406836.1); c.687G>T, p.Val229= (NM_001406837.1); c.513G>T, p.Val171= (NM_001406838.1); c.576G>T, p.Val192= (NM_181798.2).
Identifiers: ClinVar variation 381671 (VCV000381671.3), dbSNP rs1047752391, ClinGen allele CA16606302.

ClinVar aggregate classification (germline): Likely benign (1 of 4 stars; one submission).

Allele frequency attached by ClinVar (database versions not stated): gnomAD exomes below 0.00001.
gnomAD v4.1: 1 of 1,613,902 alleles (0.000062%); highest among the groups gnomAD compares: Non-Finnish European, 0.000085%; no homozygotes.

Submission:

GeneDx
Classification: Likely benign. Last evaluated: 2016-06-20. Review status: criteria provided, single submitter. Criteria: GeneDx Variant Classification (06012015). Collection method: clinical testing. Allele origin: germline. Affected: yes.
Comment: This variant is considered likely benign or benign based on one or more of the following criteria: it is a conservative change, it occurs at a poorly conserved position in the protein, it is predicted to be benign by multiple in silico algorithms, and/or has population frequency not consistent with disease.